The following is an entry in ClinVar:

ClinVar aggregate classification (germline): Uncertain significance (1 of 4 stars; one submission).

Conditions:
Zellweger spectrum disorders (ZS). Also called: Zellweger syndrome; Zellweger Spectrum Disorder (ZSD); Zellweger Spectrum Disorder; Zellweger Spectrum. Identifiers: Orphanet 912, MedGen C0043459, MONDO:0019609.

Allele frequency attached by ClinVar (database versions not stated): gnomAD exomes below 0.00001.
gnomAD v4.1: 1 of 1,602,192 alleles (0.000062%); highest among the groups gnomAD compares: Non-Finnish European, 0.000086%; no homozygotes.

Submission:

Labcorp Genetics (formerly Invitae), Labcorp
Classification: Uncertain significance for Zellweger spectrum disorders. Last evaluated: 2021-09-01. Review status: criteria provided, single submitter. Criteria: Invitae Variant Classification Sherloc (09022015). Collection method: clinical testing. Allele origin: germline.
Comment: This sequence change replaces arginine with glycine at codon 443 of the PEX1 protein (p.Arg443Gly). The arginine residue is weakly conserved and there is a moderate physicochemical difference between arginine and glycine. This variant is not present in population databases (ExAC no frequency). This variant has not been reported in the literature in individuals affected with PEX1-related conditions. Algorithms developed to predict the effect of missense changes on protein structure and function (SIFT, PolyPhen-2, Align-GVGD) all suggest that this variant is likely to be tolerated. Algorithms developed to predict the effect of sequence changes on RNA splicing suggest that this variant may create or strengthen a splice site. In summary, the available evidence is currently insufficient to determine the role of this variant in disease. Therefore, it has been classified as a Variant of Uncertain Significance.

NM_000466.3(PEX1):c.1327A>G (p.Arg443Gly)

Gene: PEX1 (peroxisomal biogenesis factor 1; minus strand). Cytogenetic location: 7q21.2.
Variant type: single nucleotide variant.
Coding change: c.1327A>G on transcript NM_000466.3 (MANE Select); coding-DNA position 1327, A replaced by G.
Protein change: p.Arg443Gly; replaces arginine 443 with glycine.
Molecular consequence: missense variant.
Genome position (GRCh38, 1-based): chr7:92,513,880, T>C on the plus strand (A>G on the coding strand, the complement: PEX1 is on the minus strand). VCF-style: chr7-92513880-T-C. GRCh37 (hg19) VCF-style: chr7-92143194-T-C.
Other names: c.1327A>G, p.Arg443Gly (NM_001282677.2); c.703A>G, p.Arg235Gly (NM_001282678.2); short protein forms R443G, R235G.
Identifiers: ClinVar variation 1422773 (VCV001422773.5), dbSNP rs2116221209, ClinGen allele CA368192581.
Genomic context (GRCh38, chr7:92,513,880, plus strand): 5'-TTGATGTAACATATATATTTGAACTCACTAAATTCTCTCTAGGTTGTAACTTTAGAGATC[T>C]TGGAATTTTAGGGGTAACTTCCACTGGAGTTATCCTGACTACGGCATGCATTTCTATATT-3'
Protein context (NP_000457.1, residues 433-453): TPVEVTPKIP[Arg443Gly]SLKLQPRENL